The following is an entry in ClinVar:

ClinVar aggregate classification (germline): Uncertain significance (1 of 4 stars; one submission).

Conditions:
Achondrogenesis, type IA (ACG1A). Identifiers: Orphanet 932, Orphanet 93299, MedGen C0265273, MONDO:0008701, OMIM 200600.

gnomAD v4.1: 17 of 1,613,852 alleles (0.0011%); highest among the groups gnomAD compares: Non-Finnish European, 0.0014%; no homozygotes.

Submission:

Labcorp Genetics (formerly Invitae), Labcorp
Classification: Uncertain significance for Achondrogenesis, type IA. Last evaluated: 2025-03-04. Review status: criteria provided, single submitter. Criteria: Invitae Variant Classification Sherloc (09022015). Collection method: clinical testing. Allele origin: germline.
Comment: This sequence change affects codon 1911 of the TRIP11 mRNA. It is a 'silent' change, meaning that it does not change the encoded amino acid sequence of the TRIP11 protein. This variant is not present in population databases (gnomAD no frequency). This variant has not been reported in the literature in individuals affected with TRIP11-related conditions. Algorithms developed to predict the effect of sequence changes on RNA splicing suggest that this variant may disrupt the consensus splice site. In summary, the available evidence is currently insufficient to determine the role of this variant in disease. Therefore, it has been classified as a Variant of Uncertain Significance.

NM_004239.4(TRIP11):c.5733C>T (p.Ser1911=)

Gene: TRIP11 (thyroid hormone receptor interactor 11; minus strand). Cytogenetic location: 14q32.12.
Variant type: single nucleotide variant.
Coding change: c.5733C>T on transcript NM_004239.4 (MANE Select); coding-DNA position 5733, C replaced by T.
Protein change: p.Ser1911=; no amino-acid change (serine 1911 retained).
Molecular consequence: synonymous variant.
Genome position (GRCh38, 1-based): chr14:91,969,880, G>A on the plus strand (C>T on the coding strand, the complement: TRIP11 is on the minus strand). VCF-style: chr14-91969880-G-A. GRCh37 (hg19) VCF-style: chr14-92436224-G-A.
Other names: c.5730C>T, p.Ser1910= (NM_001321851.1).
Identifiers: ClinVar variation 4798069 (VCV004798069.1).
Genomic context (GRCh38, chr14:91,969,880, plus strand): 5'-AGGTACAGCTGCCGAGCGAGGAGCCAAAAACGGATTTACATCTGTTCTTCTACCAGACCT[G>A]GATTCTGCTGTATCTAAAGAATAAAATATGGATTTAGTCTCCTATCTTTCACAAAGAAGT-3'
Protein context (NP_004230.2, residues 1901-1921): APESFKDTAE[Ser1911=]RSGRRTDVNP